The following is an entry in ClinVar:

ClinVar aggregate classification (germline): Uncertain significance. Review status: criteria provided, multiple submitters, no conflicts (2 of 4 stars). 2 submissions from 2 submitters: Uncertain significance (2). Last evaluated 2023-11-20.

Conditions:
Emery-Dreifuss muscular dystrophy 5, autosomal dominant (EDMD5). Also called: EMERY-DREIFUSS MUSCULAR DYSTROPHY 5. Identifiers: Orphanet 261, MedGen C2751805, MONDO:0013072, OMIM 612999.

Allele frequency attached by ClinVar (database versions not stated): gnomAD exomes below 0.00001; ExAC 0.00001; TOPMed 0.00001.
gnomAD v4.1: 4 of 1,613,964 alleles (0.00025%); highest among the groups gnomAD compares: Middle Eastern, 0.017%; no homozygotes.

Submissions (2):

Labcorp Genetics (formerly Invitae), Labcorp
Classification: Uncertain significance for Emery-Dreifuss muscular dystrophy 5, autosomal dominant. Last evaluated: 2023-11-20. Review status: criteria provided, single submitter. Criteria: Invitae Variant Classification Sherloc (09022015). Collection method: clinical testing. Allele origin: germline.
Comment: This sequence change replaces threonine, which is neutral and polar, with isoleucine, which is neutral and non-polar, at codon 197 of the SYNE2 protein (p.Thr197Ile). This variant is present in population databases (rs750805378, gnomAD 0.003%). This variant has not been reported in the literature in individuals affected with SYNE2-related conditions. ClinVar contains an entry for this variant (Variation ID: 1723437). An algorithm developed to predict the effect of missense changes on protein structure and function (PolyPhen-2) suggests that this variant is likely to be tolerated. In summary, the available evidence is currently insufficient to determine the role of this variant in disease. Therefore, it has been classified as a Variant of Uncertain Significance.

Women's Health and Genetics/Laboratory Corporation of America, LabCorp
Classification: Uncertain significance. Last evaluated: 2022-10-03. Review status: criteria provided, single submitter. Criteria: LabCorp Variant Classification Summary - May 2015. Collection method: clinical testing. Allele origin: germline.
Comment: Variant summary: SYNE2 c.590C>T (p.Thr197Ile) results in a non-conservative amino acid change located in the Calponin homology domain of the encoded protein sequence. Three of five in-silico tools predict a benign effect of the variant on protein function. The variant allele was found at a frequency of 4e-06 in 249532 control chromosomes. The available data on variant occurrences in the general population are insufficient to allow any conclusion about variant significance. To our knowledge, no occurrence of c.590C>T in individuals affected with Emery-Dreifuss Muscular Dystrophy 5, Autosomal Dominant and no experimental evidence demonstrating its impact on protein function have been reported. No clinical diagnostic laboratories have submitted clinical-significance assessments for this variant to ClinVar after 2014. Based on the evidence outlined above, the variant was classified as uncertain significance.

NM_182914.3(SYNE2):c.590C>T (p.Thr197Ile)

Gene: SYNE2 (spectrin repeat containing nuclear envelope protein 2; plus strand). Cytogenetic location: 14q23.2.
Variant type: single nucleotide variant.
Coding change: c.590C>T on transcript NM_182914.3 (MANE Select); coding-DNA position 590, C replaced by T.
Protein change: p.Thr197Ile; replaces threonine 197 with isoleucine.
Molecular consequence: missense variant.
Genome position (GRCh38, 1-based): chr14:63,950,006, C>T. VCF-style: chr14-63950006-C-T. GRCh37 (hg19) VCF-style: chr14-64416724-C-T.
Other names: c.590C>T, p.Thr197Ile (NM_015180.6); short protein forms T197I.
Identifiers: ClinVar variation 1723437 (VCV001723437.6), dbSNP rs750805378, ClinGen allele CA7219137.
Genomic context (GRCh38, chr14:63,950,006, plus strand): 5'-CAAGATGGCAAATGTCTGCAAGAAAGGCCCTTCTTTTGTGGGCTCAGGAACAATGCGCCA[C>T]GTAAGTAGTTTGCTATGACCCTAAGAGACACACAGGGCAGCTGTATCAACCAACACCACC-3'
Protein context (NP_878918.2, residues 187-207): LLLWAQEQCA[Thr197Ile]YESVNVTDFK